The following is an entry in ClinVar:

NM_015202.5(KATNIP):c.1407G>A (p.Arg469=)

Genes: KATNIP (katanin interacting protein; plus strand), LOC100128079 (uncharacterized LOC100128079; minus strand). Cytogenetic location: 16p12.1.
Variant type: single nucleotide variant.
Coding change: c.1407G>A on transcript NM_015202.5 (MANE Select); coding-DNA position 1407, G replaced by A.
Protein change: p.Arg469=; no amino-acid change (arginine 469 retained).
Molecular consequence: synonymous variant. On other transcripts: non-coding transcript variant (1).
Genome position (GRCh38, 1-based): chr16:27,708,722, G>A. VCF-style: chr16-27708722-G-A. GRCh37 (hg19) VCF-style: chr16-27720043-G-A.
Other names: p.Arg469=; c.1407G>A (NM_015202.4).
Identifiers: ClinVar variation 714687 (VCV000714687.12), dbSNP rs74016989, ClinGen allele CA7977701.

ClinVar aggregate classification (germline): Benign. Review status: criteria provided, multiple submitters, no conflicts (2 of 4 stars). 3 submissions from 3 submitters: Benign (3). Last evaluated 2026-01-27.

Allele frequency attached by ClinVar (database versions not stated): gnomAD exomes 0.00100 and 0.00288; ExAC 0.00354; gnomAD 0.01123 and 0.01205; 1000 Genomes Project 0.01138; 1000 Genomes Project 30x 0.01140; TOPMed 0.01256; ESP Exome Variant Server 0.01347.
gnomAD v4.1: 3,242 of 1,613,536 alleles (0.2%); highest among the groups gnomAD compares: African/African-American, 3.9%; 49 homozygotes.

Submissions (3):

Labcorp Genetics (formerly Invitae), Labcorp
Classification: Benign. Last evaluated: 2026-01-27. Review status: criteria provided, single submitter. Criteria: Invitae Variant Classification Sherloc (09022015). Collection method: clinical testing. Allele origin: germline.

Mayo Clinic Laboratories, Mayo Clinic
Classification: Benign. Last evaluated: 2024-09-19. Review status: criteria provided, single submitter. Criteria: ACMG Guidelines, 2015. Collection method: clinical testing. Allele origin: germline. Observed: 1 variant allele.
Comment: BS1, BS2, BP4, BP7

Breakthrough Genomics
Classification: Benign. Review status: criteria provided, single submitter. Criteria: ACMG Guidelines, 2015. Collection method: not provided. Allele origin: germline. Inheritance: Autosomal recessive inheritance. Affected: yes.